The following is an entry in ClinVar:

NM_006005.3(WFS1):c.2416G>C (p.Ala806Pro)

Gene: WFS1 (wolframin ER transmembrane glycoprotein; plus strand). Cytogenetic location: 4p16.1.
Variant type: single nucleotide variant.
Coding change: c.2416G>C on transcript NM_006005.3 (MANE Select); coding-DNA position 2416, G replaced by C.
Protein change: p.Ala806Pro; replaces alanine 806 with proline.
Molecular consequence: missense variant.
Genome position (GRCh38, 1-based): chr4:6,302,211, G>C. VCF-style: chr4-6302211-G-C. GRCh37 (hg19) VCF-style: chr4-6303938-G-C.
Other names: c.2416G>C, p.Ala806Pro (NM_001145853.1); short protein forms A806P.
Identifiers: ClinVar variation 1073764 (VCV001073764.11), dbSNP rs762075088, ClinGen allele CA2839730.

ClinVar aggregate classification (germline): Pathogenic/Likely pathogenic. Review status: criteria provided, multiple submitters, no conflicts (2 of 4 stars). 3 submissions from 3 submitters: Pathogenic (1); Likely pathogenic (2). Last evaluated 2023-08-23.

Conditions:
WFS1-related disorder. Identifiers: MedGen CN379391, MONDO:0700293.

Allele frequency attached by ClinVar (database versions not stated): ExAC 0.00001; gnomAD exomes 0.00001.
gnomAD v4.1: 5 of 1,611,004 alleles (0.00031%); highest among the groups gnomAD compares: Admixed American, 0.0033%; no homozygotes.

Submissions (3):

Blueprint Genetics
Classification: Likely pathogenic for WFS1-related disorders. Last evaluated: 2023-08-23. Review status: criteria provided, single submitter. Criteria: ACMG Guidelines, 2015. Collection method: clinical testing. Allele origin: germline. Affected: yes. Observed: 1 variant allele.

Labcorp Genetics (formerly Invitae), Labcorp
Classification: Pathogenic. Last evaluated: 2023-07-31. Review status: criteria provided, single submitter. Criteria: Invitae Variant Classification Sherloc (09022015). Collection method: clinical testing. Allele origin: germline.
Comment: This missense change has been observed in individual(s) with autosomal recessive Wolfram syndrome (PMID: 24890733; Invitae; external communication). In at least one individual the data is consistent with being in trans (on the opposite chromosome) from a pathogenic variant. For these reasons, this variant has been classified as Pathogenic. Advanced modeling of protein sequence and biophysical properties (such as structural, functional, and spatial information, amino acid conservation, physicochemical variation, residue mobility, and thermodynamic stability) performed at Invitae indicates that this missense variant is expected to disrupt WFS1 protein function. ClinVar contains an entry for this variant (Variation ID: 1073764). This variant is present in population databases (rs762075088, gnomAD 0.006%). This sequence change replaces alanine, which is neutral and non-polar, with proline, which is neutral and non-polar, at codon 806 of the WFS1 protein (p.Ala806Pro).

GeneDx
Classification: Likely pathogenic. Last evaluated: 2021-09-02. Review status: criteria provided, single submitter. Criteria: GeneDx Variant Classification Process June 2021. Collection method: clinical testing. Allele origin: germline. Affected: yes.
Comment: Not observed at significant frequency in large population cohorts (Lek et al., 2016); In silico analysis supports that this missense variant has a deleterious effect on protein structure/function; This variant is associated with the following publications: (PMID: 27535533, 24890733)

Literature cited by the submitters: PubMed 24890733 (cited by Labcorp Genetics (formerly Invitae), Labcorp).